The following is an entry in ClinVar:

NM_000321.3(RB1):c.2714C>T (p.Thr905Ile)

Gene: RB1 (RB transcriptional corepressor 1; plus strand). Cytogenetic location: 13q14.2.
Variant type: single nucleotide variant.
Coding change: c.2714C>T on transcript NM_000321.3 (MANE Select); coding-DNA position 2714, C replaced by T.
Protein change: p.Thr905Ile; replaces threonine 905 with isoleucine.
Molecular consequence: missense variant. On other transcripts: synonymous variant (1).
Genome position (GRCh38, 1-based): chr13:48,479,998, C>T. VCF-style: chr13-48479998-C-T. GRCh37 (hg19) VCF-style: chr13-49054134-C-T.
Other names: c.2733C>T, p.Ser911= (NM_001407165.1); c.164C>T, p.Thr55Ile (NM_001407168.1); short protein forms T55I, T905I.
Identifiers: ClinVar variation 3071800 (VCV003071800.1), dbSNP rs2138364337, ClinGen allele CA388158165.

ClinVar aggregate classification (germline): Uncertain significance (1 of 4 stars; one submission).

Conditions:
Retinoblastoma (RB1). Also called: RETINOBLASTOMA, SOMATIC. Identifiers: Orphanet 790, MedGen C0035335, MeSH D012175, MONDO:0008380, OMIM 180200, HP:0009919. Disease mechanism: loss of function. Inheritance: Both sporadic and heritable forms are tested..

gnomAD v4.1: 1 of 1,612,468 alleles (0.000062%); no homozygotes.

Submission:

All of Us Research Program, National Institutes of Health
Classification: Uncertain significance for Retinoblastoma. Last evaluated: 2023-06-26. Review status: criteria provided, single submitter. Criteria: ACMG Guidelines, 2015. Collection method: clinical testing. Allele origin: germline. Inheritance: Autosomal dominant inheritance. Observed: 1 variant allele, 1 heterozygote.
Comment: This missense variant replaces threonine with isoleucine at codon 905 of the RB1 protein. Computational prediction suggests that this variant may not impact protein structure and function (internally defined REVEL score threshold <= 0.5, PMID: 27666373). To our knowledge, functional studies have not been reported for this variant. This variant has not been reported in individuals affected with RB1-related disorders in the literature. This variant has not been identified in the general population by the Genome Aggregation Database (gnomAD). The available evidence is insufficient to determine the role of this variant in disease conclusively. Therefore, this variant is classified as a Variant of Uncertain Significance.

This study involves interpretation of variants in research participants for the purpose of population health screening. Participant phenotype was not available at the time of variant classification. Additional details can be found in publication PMID: 35346344, PMCID: PMC8962531